The following is an entry in ClinVar:

NM_015474.4(SAMHD1):c.16T>G (p.Ser6Ala)

Gene: SAMHD1 (SAM and HD domain containing deoxynucleoside triphosphate triphosphohydrolase 1; minus strand). Cytogenetic location: 20q11.23.
Variant type: single nucleotide variant.
Coding change: c.16T>G on transcript NM_015474.4 (MANE Select); coding-DNA position 16, T replaced by G.
Protein change: p.Ser6Ala; replaces serine 6 with alanine.
Molecular consequence: missense variant.
Genome position (GRCh38, 1-based): chr20:36,951,628, A>C on the plus strand (T>G on the coding strand, the complement: SAMHD1 is on the minus strand). VCF-style: chr20-36951628-A-C. GRCh37 (hg19) VCF-style: chr20-35580031-A-C.
Other names: c.16T>G, p.Ser6Ala (NM_001363729.2, NM_001363733.2); short protein forms S6A.
Identifiers: ClinVar variation 1517498 (VCV001517498.3), dbSNP rs1187125859, ClinGen allele CA408833870.

ClinVar aggregate classification (germline): Uncertain significance (1 of 4 stars; one submission).

Conditions:
Aicardi-Goutieres syndrome 5. Identifiers: Orphanet 51, MedGen C2749659, MONDO:0013059, OMIM 612952.

Allele frequency attached by ClinVar (database versions not stated): TOPMed below 0.00001.
gnomAD v4.1: 2 of 1,613,762 alleles (0.00012%); highest among the groups gnomAD compares: Non-Finnish European, 0.00017%; no homozygotes.

Submission:

Labcorp Genetics (formerly Invitae), Labcorp
Classification: Uncertain significance for Aicardi-Goutieres syndrome 5. Last evaluated: 2022-06-28. Review status: criteria provided, single submitter. Criteria: Invitae Variant Classification Sherloc (09022015). Collection method: clinical testing. Allele origin: germline.
Comment: This sequence change replaces serine, which is neutral and polar, with alanine, which is neutral and non-polar, at codon 6 of the SAMHD1 protein (p.Ser6Ala). This variant is not present in population databases (gnomAD no frequency). This variant has not been reported in the literature in individuals affected with SAMHD1-related conditions. Algorithms developed to predict the effect of missense changes on protein structure and function (SIFT, PolyPhen-2, Align-GVGD) all suggest that this variant is likely to be tolerated. In summary, the available evidence is currently insufficient to determine the role of this variant in disease. Therefore, it has been classified as a Variant of Uncertain Significance.